The following is an entry in ClinVar:

NM_017617.5(NOTCH1):c.5200C>G (p.Leu1734Val)

Gene: NOTCH1 (notch receptor 1; minus strand). Cytogenetic location: 9q34.3.
Variant type: single nucleotide variant.
Coding change: c.5200C>G on transcript NM_017617.5 (MANE Select); coding-DNA position 5200, C replaced by G.
Protein change: p.Leu1734Val; replaces leucine 1734 with valine.
Molecular consequence: missense variant.
Genome position (GRCh38, 1-based): chr9:136,502,456, G>C on the plus strand (C>G on the coding strand, the complement: NOTCH1 is on the minus strand). VCF-style: chr9-136502456-G-C. GRCh37 (hg19) VCF-style: chr9-139396908-G-C.
Other names: short protein forms L1734V.
Identifiers: ClinVar variation 3880487 (VCV003880487.1).

ClinVar aggregate classification (germline): Uncertain significance (1 of 4 stars; one submission).

Conditions:
Familial thoracic aortic aneurysm and aortic dissection (TAAD). Also called: Thoracic aortic aneurysms and dissections. Identifiers: Orphanet 91387, MedGen C4707243, MONDO:0019625.

gnomAD v4.1: 1 of 1,596,384 alleles (0.000063%); highest among the groups gnomAD compares: Non-Finnish European, 0.000085%; no homozygotes.

Submission:

Ambry Genetics
Classification: Uncertain significance for Familial thoracic aortic aneurysm and aortic dissection. Last evaluated: 2025-02-09. Review status: criteria provided, single submitter. Criteria: Ambry Variant Classification Scheme 2023. Collection method: clinical testing. Allele origin: germline.
Comment: The p.L1734V variant (also known as c.5200C>G), located in coding exon 28 of the NOTCH1 gene, results from a C to G substitution at nucleotide position 5200. The leucine at codon 1734 is replaced by valine, an amino acid with highly similar properties. This amino acid position is conserved. In addition, this alteration is predicted to be tolerated by in silico analysis. Based on the available evidence, the clinical significance of this variant remains unclear.